The following is an entry in ClinVar:

NC_000017.10:g.(18927697_18939270)_(18950271_?)del

Gene: GRAP (GRB2 related adaptor protein; minus strand). Cytogenetic location: 17p11.2.
Variant type: Deletion.
Identifiers: ClinVar variation 3629880 (VCV003629880.1).

ClinVar aggregate classification (germline): Uncertain significance (1 of 4 stars; one submission).

Submission:

Women's Health and Genetics/Laboratory Corporation of America, LabCorp
Classification: Uncertain significance. Last evaluated: 2024-11-01. Review status: criteria provided, single submitter. Criteria: LabCorp Variant Classification Summary - May 2015. Collection method: clinical testing. Allele origin: germline.
Comment: Variant summary: The variant involves the deletion of exons 1-3 in the GRAP gene. A presumed nomenclature of c.(?_-32)_(299+1_300-1)del has been designated for the purposes of this classification. The exact breakpoint at the 5' end of this variant is unknown, therefore this deletion may extend upstream of the annotated region of this gene. Although the exact breakpoints of this deletion are not known, it is predicted to remove the initiation codon and result in an absence of protein or a truncation of the encoded protein due to translation initiation at a downstream site. However, current evidence is not sufficient to establish loss of function as a mechanism for disease. The variant was absent in 21694 control chromosomes (gnomAD, structural variants dataset). The available data on variant occurrences in the general population are insufficient to allow any conclusion about variant significance. To our knowledge, no occurrence of c.(?_-32)_(299+1_300-1)del in individuals affected with Autosomal Recessive Hearing Loss, and no experimental evidence demonstrating its impact on protein function have been reported. No submitters have cited clinical-significance assessments for this variant to ClinVar. Based on the evidence outlined above, the variant was classified as uncertain significance.